The following is an entry in ClinVar:

ClinVar aggregate classification (germline): Uncertain significance (1 of 4 stars; one submission).

Conditions:
Candidiasis, familial, 9 (CANDF9). Identifiers: Orphanet 1334, MedGen C4225324, MONDO:0014642, OMIM 616445.

Allele frequency attached by ClinVar (database versions not stated): 1000 Genomes Project 30x 0.00016; TOPMed 0.00022.
gnomAD v4.1: 112 of 1,604,878 alleles (0.007%); highest among the groups gnomAD compares: Admixed American, 0.029%; no homozygotes.

Submission:

Labcorp Genetics (formerly Invitae), Labcorp
Classification: Uncertain significance for Candidiasis, familial, 9. Last evaluated: 2025-12-17. Review status: criteria provided, single submitter. Criteria: Invitae Variant Classification Sherloc (09022015). Collection method: clinical testing. Allele origin: germline.
Comment: This sequence change replaces serine, which is neutral and polar, with leucine, which is neutral and non-polar, at codon 392 of the IL17RC protein (p.Ser392Leu). This variant is present in population databases (rs141178913, gnomAD 0.03%). This variant has not been reported in the literature in individuals affected with IL17RC-related conditions. ClinVar contains an entry for this variant (Variation ID: 581058). An algorithm developed to predict the effect of missense changes on protein structure and function (PolyPhen-2) suggests that this variant is likely to be tolerated. In summary, the available evidence is currently insufficient to determine the role of this variant in disease. Therefore, it has been classified as a Variant of Uncertain Significance.

NM_153460.4(IL17RC):c.962C>T (p.Ser321Leu)

Gene: IL17RC (interleukin 17 receptor C; plus strand). Cytogenetic location: 3p25.3.
Variant type: single nucleotide variant.
Coding change: c.962C>T on transcript NM_153460.4 (MANE Select); coding-DNA position 962, C replaced by T.
Protein change: p.Ser321Leu; replaces serine 321 with leucine.
Molecular consequence: missense variant. On other transcripts: non-coding transcript variant (1).
Genome position (GRCh38, 1-based): chr3:9,928,389, C>T. VCF-style: chr3-9928389-C-T. GRCh37 (hg19) VCF-style: chr3-9970073-C-T.
Other names: c.962C>T, p.Ser321Leu (NM_001203263.2, NM_001203264.2); c.917C>T, p.Ser306Leu (NM_001203265.2, NM_001367280.1, NM_032732.6); c.923C>T, p.Ser308Leu (NM_001367278.1); c.842C>T, p.Ser281Leu (NM_001367279.1); c.1175C>T, p.Ser392Leu (NM_153461.4); short protein forms S392L, S321L, S281L, S306L, S308L.
Identifiers: ClinVar variation 581058 (VCV000581058.6), dbSNP rs141178913, ClinGen allele CA2247084.